The following is an entry in ClinVar:

ClinVar aggregate classification (germline): Uncertain significance (1 of 4 stars; one submission).

Allele frequency attached by ClinVar (database versions not stated): gnomAD 0.00001.

Submission:

GeneDx
Classification: Uncertain significance. Last evaluated: 2024-04-10. Review status: criteria provided, single submitter. Criteria: GeneDx Variant Classification Process June 2021. Collection method: clinical testing. Allele origin: germline. Affected: yes.
Comment: Has not been previously published as pathogenic or benign to our knowledge; Not observed in large population cohorts (gnomAD); In silico analysis supports that this missense variant has a deleterious effect on protein structure/function; Occurs in the triple helical domain at the Y position in the canonical Gly-X-Y repeat; although this variant may have an effect on normal protein folding and function, missense substitution at the Y position is not a common mechanism of disease

NM_001845.6(COL4A1):c.623C>T (p.Pro208Leu)

Gene: COL4A1 (collagen type IV alpha 1 chain; minus strand). Cytogenetic location: 13q34.
Variant type: single nucleotide variant.
Coding change: c.623C>T on transcript NM_001845.6 (MANE Select); coding-DNA position 623, C replaced by T.
Protein change: p.Pro208Leu; replaces proline 208 with leucine.
Molecular consequence: missense variant.
Genome position (GRCh38, 1-based): chr13:110,209,420, G>A on the plus strand (C>T on the coding strand, the complement: COL4A1 is on the minus strand). VCF-style: chr13-110209420-G-A. GRCh37 (hg19) VCF-style: chr13-110861767-G-A.
Other names: c.623C>T, p.Pro208Leu (NM_001303110.2); short protein forms P208L.
Identifiers: ClinVar variation 3253050 (VCV003253050.1), dbSNP rs1879669957.
Genomic context (GRCh38, chr13:110,209,420, plus strand): 5'-GCCAAAGAACAAAAAATGAAAAGAACTTTTACCTTTTCACCTGGAGGGCCGGGAGGGCCT[G>A]GGGGACCCTGGGAGAGACAGCATTTTAATTAAATAGGATTCAGAACTCTAGGGAGCTTTA-3'
Protein context (NP_001836.3, residues 198-218): PPGFTGPPGP[Pro208Leu]GPPGPPGEKG